The following is an entry in ClinVar:

ClinVar aggregate classification (germline): Benign (0 of 4 stars; one submission).

Conditions:
E2F1-related disorder. Also called: E2F1-related condition.

Allele frequency attached by ClinVar (database versions not stated): 1000 Genomes Project 30x 0.01031; 1000 Genomes Project 0.01178; gnomAD 0.01813; TOPMed 0.01897; ESP Exome Variant Server 0.02234; gnomAD exomes 0.02937; ExAC 0.02999.
gnomAD v4.1: 44,561 of 1,582,400 alleles (2.8%); highest among the groups gnomAD compares: Non-Finnish European, 3.3%; 761 homozygotes.

Submission:

PreventionGenetics, part of Exact Sciences
Classification: Benign for E2F1-related condition. Last evaluated: 2019-04-09. Review status: no assertion criteria provided. Collection method: clinical testing. Allele origin: germline.
Comment: This variant is classified as benign based on ACMG/AMP sequence variant interpretation guidelines (Richards et al. 2015 PMID: 25741868, with internal and published modifications).

NM_005225.3(E2F1):c.1177G>A (p.Gly393Ser)

Gene: E2F1 (E2F transcription factor 1; minus strand). Cytogenetic location: 20q11.22.
Variant type: single nucleotide variant.
Coding change: c.1177G>A on transcript NM_005225.3 (MANE Select); coding-DNA position 1177, G replaced by A.
Protein change: p.Gly393Ser; replaces glycine 393 with serine.
Molecular consequence: missense variant.
Genome position (GRCh38, 1-based): chr20:33,676,869, C>T on the plus strand (G>A on the coding strand, the complement: E2F1 is on the minus strand). VCF-style: chr20-33676869-C-T. GRCh37 (hg19) VCF-style: chr20-32264675-C-T.
Other names: short protein forms G393S.
Identifiers: ClinVar variation 3041546 (VCV003041546.2), dbSNP rs3213176, ClinGen allele CA9818552.
Genomic context (GRCh38, chr20:33,676,869, plus strand): 5'-AGTGGTAGTCGAGGGCCTCGTGGGGTGGGGAAAGGCTGATGAACTCCTCAGGGAGGAGGC[C>T]GGAGAAGTCCTCCCGCACATGCTCCAGGAGCGAGTCGGCCGCCACCAGCGGGGACAGGCG-3'
Protein context (NP_005216.1, residues 383-403): LLEHVREDFS[Gly393Ser]LLPEEFISLS